The following is an entry in ClinVar:

NM_020812.4(DOCK6):c.1688G>T (p.Arg563Leu)

Gene: DOCK6 (dedicator of cytokinesis 6; minus strand). Cytogenetic location: 19p13.2.
Variant type: single nucleotide variant.
Coding change: c.1688G>T on transcript NM_020812.4 (MANE Select); coding-DNA position 1688, G replaced by T.
Protein change: p.Arg563Leu; replaces arginine 563 with leucine.
Molecular consequence: missense variant.
Genome position (GRCh38, 1-based): chr19:11,238,260, C>A on the plus strand (G>T on the coding strand, the complement: DOCK6 is on the minus strand). VCF-style: chr19-11238260-C-A. GRCh37 (hg19) VCF-style: chr19-11348936-C-A.
Other names: c.1688G>T, p.Arg563Leu (NM_001367830.1); short protein forms R563L.
Identifiers: ClinVar variation 1927267 (VCV001927267.5), dbSNP rs372177293, ClinGen allele CA404103195.

ClinVar aggregate classification (germline): Uncertain significance (1 of 4 stars; one submission).

gnomAD v4.1: 2 of 1,612,826 alleles (0.00012%); no homozygotes.

Submission:

Labcorp Genetics (formerly Invitae), Labcorp
Classification: Uncertain significance. Last evaluated: 2024-10-22. Review status: criteria provided, single submitter. Criteria: Invitae Variant Classification Sherloc (09022015). Collection method: clinical testing. Allele origin: germline.
Comment: This sequence change replaces arginine, which is basic and polar, with leucine, which is neutral and non-polar, at codon 563 of the DOCK6 protein (p.Arg563Leu). This variant is present in population databases (no rsID available, gnomAD 0.0009%). This variant has not been reported in the literature in individuals affected with DOCK6-related conditions. ClinVar contains an entry for this variant (Variation ID: 1927267). Invitae Evidence Modeling of protein sequence and biophysical properties (such as structural, functional, and spatial information, amino acid conservation, physicochemical variation, residue mobility, and thermodynamic stability) indicates that this missense variant is not expected to disrupt DOCK6 protein function with a negative predictive value of 80%. In summary, the available evidence is currently insufficient to determine the role of this variant in disease. Therefore, it has been classified as a Variant of Uncertain Significance.